The following is an entry in ClinVar:

ClinVar aggregate classification (germline): Pathogenic (1 of 4 stars; one submission).

Conditions:
Hermansky-Pudlak syndrome 2 (HPS2). Also called: Platelet defects and oculocutaneous albinism. Identifiers: Orphanet 183678, Orphanet 79430, MedGen C1842362, MONDO:0011997, OMIM 608233.

Submission:

Labcorp Genetics (formerly Invitae), Labcorp
Classification: Pathogenic for Hermansky-Pudlak syndrome 2. Last evaluated: 2023-08-28. Review status: criteria provided, single submitter. Criteria: Invitae Variant Classification Sherloc (09022015). Collection method: clinical testing. Allele origin: germline.
Comment: This sequence change creates a premature translational stop signal (p.Gly429Alafs*28) in the AP3B1 gene. It is expected to result in an absent or disrupted protein product. Loss-of-function variants in AP3B1 are known to be pathogenic (PMID: 16507770, 23403622). This variant is not present in population databases (gnomAD no frequency). This variant has not been reported in the literature in individuals affected with AP3B1-related conditions. For these reasons, this variant has been classified as Pathogenic.

Literature cited by the submitters: PubMed 16507770; PubMed 23403622.

NM_003664.5(AP3B1):c.1286del (p.Gly429fs)

Gene: AP3B1 (adaptor related protein complex 3 subunit beta 1; minus strand). Cytogenetic location: 5q14.1.
Variant type: Deletion.
Coding change: c.1286del on transcript NM_003664.5 (MANE Select); coding-DNA position 1286, one base deleted (G; older notation c.1286delG).
Protein change: p.Gly429fs; shifts the reading frame from glycine 429.
Molecular consequence: frameshift variant.
Genome position (GRCh38, 1-based): chr5:78,162,896, C deleted on the plus strand (G on the coding strand, the reverse complement: AP3B1 is on the minus strand); the first of 2 consecutive C bases (chr5:78,162,896-78,162,897); deleting either gives the same sequence. VCF-style (leftmost placement, unchanged base first): chr5-78162895-GC-G. GRCh37 (hg19) VCF-style: chr5-77458719-GC-G.
Other names: c.1139del, p.Gly380fs (NM_001271769.2); c.1286del, p.Gly429fs (NM_001410752.1); short protein forms G380fs, G429fs.
Identifiers: ClinVar variation 2837529 (VCV002837529.3), dbSNP rs2531076892, ClinGen allele CA2739274785.
Genomic context (GRCh38, chr5:78,162,895, plus strand): 5'-CAGACAGACCAAGCCATTGAGGCACGTGTCAGTGACTTCCAAGATGTTGGTTGCACATCT[GC>G]CTATAGTCTGAATAGTGGCTGCTGCAAATTGTTTATCCTGGCTTTTCACATAGGTCTAAA-3'